The following is an entry in ClinVar:

ClinVar aggregate classification (germline): Uncertain significance (1 of 4 stars; one submission).

Conditions:
RASopathy. Also called: rasopathies; Noonan spectrum disorder. Identifiers: Orphanet 536391, MedGen C5555857, MONDO:0021060.

Submission:

Labcorp Genetics (formerly Invitae), Labcorp
Classification: Uncertain significance for RASopathy. Last evaluated: 2021-12-17. Review status: criteria provided, single submitter. Criteria: Invitae Variant Classification Sherloc (09022015). Collection method: clinical testing. Allele origin: germline.
Comment: In summary, the available evidence is currently insufficient to determine the role of this variant in disease. Therefore, it has been classified as a Variant of Uncertain Significance. Algorithms developed to predict the effect of sequence changes on RNA splicing suggest that this variant is not likely to affect RNA splicing. This variant has not been reported in the literature in individuals affected with SHOC2-related conditions. This variant is not present in population databases (gnomAD no frequency). This sequence change affects codon 513 of the SHOC2 mRNA. It is a 'silent' change, meaning that it does not change the encoded amino acid sequence of the SHOC2 protein. It affects a nucleotide within the consensus splice site.

NM_007373.4(SHOC2):c.1539T>C (p.Ile513=)

Gene: SHOC2 (SHOC2 leucine rich repeat scaffold protein; plus strand). Cytogenetic location: 10q25.2.
Variant type: single nucleotide variant.
Coding change: c.1539T>C on transcript NM_007373.4 (MANE Select); coding-DNA position 1539, T replaced by C.
Protein change: p.Ile513=; no amino-acid change (isoleucine 513 retained).
Molecular consequence: synonymous variant. On other transcripts: non-coding transcript variant (1).
Genome position (GRCh38, 1-based): chr10:111,009,829, T>C. VCF-style: chr10-111009829-T-C. GRCh37 (hg19) VCF-style: chr10-112769587-T-C.
Other names: c.1401T>C, p.Ile467= (NM_001269039.3); c.1539T>C, p.Ile513= (NM_001324336.2, NM_001324337.2).
Identifiers: ClinVar variation 1896085 (VCV001896085.5), dbSNP rs2493960254, ClinGen allele CA471466714.
Genomic context (GRCh38, chr10:111,009,829, plus strand): 5'-TACTAATCTCACACATCTGGGCCTTGGAGAGAACCTACTTACTCACCTTCCTGAAGAAAT[T>C]GGTATGAACCCTGTGAATGCTTGACTCTGTACTAATAATTTGCTCTTGTGCATTCAAGCA-3'
Protein context (NP_031399.2, residues 503-523): ENLLTHLPEE[Ile513=]GTLENLEELY